The following is an entry in ClinVar:

ClinVar aggregate classification (germline): Uncertain significance. Review status: criteria provided, multiple submitters, no conflicts (2 of 4 stars). 3 submissions from 3 submitters: Uncertain significance (2). 1 of the submissions does not count toward it. Last evaluated 2025-05-08.

Conditions:
Usher syndrome type 1B (USH1B). Also called: Usher syndrome type IB. Identifiers: MedGen C1848638, MONDO:0700087.

Allele frequency attached by ClinVar (database versions not stated): gnomAD exomes 0.00001.
gnomAD v4.1: 6 of 1,612,532 alleles (0.00037%); highest among the groups gnomAD compares: Non-Finnish European, 0.00051%; no homozygotes.

Submissions (3):

Women's Health and Genetics/Laboratory Corporation of America, LabCorp
Classification: Uncertain significance. Last evaluated: 2025-05-08. Review status: criteria provided, single submitter. Criteria: LabCorp Variant Classification Summary - May 2015. Collection method: clinical testing. Allele origin: germline.
Comment: Variant summary: MYO7A c.5809C>T (p.Leu1937Phe) results in a non-conservative amino acid change in the encoded protein sequence. Algorithms developed to predict the effect of missense changes on protein structure and function all suggest that this variant is likely to be disruptive. The variant was absent in 246906 control chromosomes. The available data on variant occurrences in the general population are insufficient to allow any conclusion about variant significance. To our knowledge, no occurrence of c.5809C>T in individuals affected with Usher Syndrome and no experimental evidence demonstrating its impact on protein function have been reported. ClinVar contains an entry for this variant (Variation ID: 1040082). Based on the evidence outlined above, the variant was classified as uncertain significance.

Labcorp Genetics (formerly Invitae), Labcorp
Classification: Uncertain significance. Last evaluated: 2024-02-20. Review status: criteria provided, single submitter. Criteria: Invitae Variant Classification Sherloc (09022015). Collection method: clinical testing. Allele origin: germline.
Comment: This sequence change replaces leucine, which is neutral and non-polar, with phenylalanine, which is neutral and non-polar, at codon 1937 of the MYO7A protein (p.Leu1937Phe). This variant is not present in population databases (gnomAD no frequency). This variant has not been reported in the literature in individuals affected with MYO7A-related conditions. ClinVar contains an entry for this variant (Variation ID: 1040082). Advanced modeling of protein sequence and biophysical properties (such as structural, functional, and spatial information, amino acid conservation, physicochemical variation, residue mobility, and thermodynamic stability) has been performed at Invitae for this missense variant, however the output from this modeling did not meet the statistical confidence thresholds required to predict the impact of this variant on MYO7A protein function. In summary, the available evidence is currently insufficient to determine the role of this variant in disease. Therefore, it has been classified as a Variant of Uncertain Significance.

Natera, Inc.
Classification: Uncertain significance for Usher syndrome type 1B. Last evaluated: 2020-12-15. Review status: no assertion criteria provided. Collection method: clinical testing. Allele origin: germline. Not counted in ClinVar's aggregate classification.

NM_000260.4(MYO7A):c.5809C>T (p.Leu1937Phe)

Gene: MYO7A (myosin VIIA; plus strand). Cytogenetic location: 11q13.5.
Variant type: single nucleotide variant.
Coding change: c.5809C>T on transcript NM_000260.4 (MANE Select); coding-DNA position 5809, C replaced by T.
Protein change: p.Leu1937Phe; replaces leucine 1937 with phenylalanine.
Molecular consequence: missense variant.
Genome position (GRCh38, 1-based): chr11:77,207,355, C>T. VCF-style: chr11-77207355-C-T. GRCh37 (hg19) VCF-style: chr11-76918400-C-T.
Other names: c.5695C>T, p.Leu1899Phe (NM_001127180.2); c.5662C>T, p.Leu1888Phe (NM_001369365.1); short protein forms L1888F, L1899F, L1937F.
Identifiers: ClinVar variation 1040082 (VCV001040082.6), dbSNP rs1957516566, ClinGen allele CA381954058.